The following is an entry in ClinVar:

NM_000455.5(STK11):c.1062_1073del (p.Glu357_Ile360del)

Genes: STK11 (serine/threonine kinase 11; plus strand), LOC130062899 (ATAC-STARR-seq lymphoblastoid active region 13597; plus strand). Cytogenetic location: 19p13.3.
Variant type: Deletion.
Coding change: c.1062_1073del on transcript NM_000455.5 (MANE Select); coding-DNA positions 1062 to 1073, 12 bases deleted (CGACATCGAGGA).
Protein change: p.Glu357_Ile360del.
Molecular consequence: inframe deletion.
Genome position (GRCh38, 1-based): chr19:1,223,126-1,223,137, CGACATCGAGGA deleted. VCF-style (leftmost placement, unchanged base first): chr19-1223125-TCGACATCGAGGA-T. GRCh37 (hg19) VCF-style: chr19-1223124-TCGACATCGAGGA-T.
Other names: c.1062_1073delCGACATCGAGGA (NM_000455.4).
Identifiers: ClinVar variation 655633 (VCV000655633.9), dbSNP rs1599929523, ClinGen allele CA915951602.

ClinVar aggregate classification (germline): Uncertain significance (1 of 4 stars; one submission).

Conditions:
Peutz-Jeghers syndrome (PJS). Also called: POLYPOSIS, HAMARTOMATOUS INTESTINAL; POLYPS-AND-SPOTS SYNDROME; Peutz-Jeghers polyposis; Periorificial lentiginosis syndrome. Identifiers: Orphanet 2869, MedGen C0031269, MeSH D010580, MONDO:0008280, OMIM 175200.

Submission:

Labcorp Genetics (formerly Invitae), Labcorp
Classification: Uncertain significance for Peutz-Jeghers syndrome. Last evaluated: 2020-02-14. Review status: criteria provided, single submitter. Criteria: Invitae Variant Classification Sherloc (09022015). Collection method: clinical testing. Allele origin: germline.
Comment: This variant, c.1062_1073delCGACATCGAGGA, results in the deletion of 4 amino acids of the STK11 protein (p.Glu357_Ile360del), but otherwise preserves the integrity of the reading frame. This variant is not present in population databases (ExAC no frequency). This variant has not been reported in the literature in individuals with STK11-related disease. Experimental studies and prediction algorithms are not available for this variant, and the functional significance of the affected amino acids is currently unknown. In summary, the available evidence is currently insufficient to determine the role of this variant in disease. Therefore, it has been classified as a Variant of Uncertain Significance.